The following is an entry in ClinVar:

ClinVar aggregate classification (germline): Likely benign. Review status: criteria provided, multiple submitters, no conflicts (2 of 4 stars). 2 submissions from 2 submitters: Likely benign (2). Last evaluated 2026-04-29.

Conditions:
SMPD1-related disorder. Also called: SMPD1-related condition.
Niemann-Pick disease, type B. Also called: Chronic Visceral ASMD (Niemann-Pick Disease Type B; NPD-B). Identifiers: Orphanet 77293, MedGen C0268243, MONDO:0011871, OMIM 607616. Disease mechanism: loss of function.
Niemann-Pick disease, type A. Also called: Infantile Neurovisceral ASMD (Niemann-Pick Disease Type A; NPD-A); SPHINGOMYELIN LIPIDOSIS; SPHINGOMYELINASE DEFICIENCY. Identifiers: Orphanet 77292, MedGen C0268242, MONDO:0009756, OMIM 257200. Disease mechanism: loss of function.

Allele frequency attached by ClinVar (database versions not stated): gnomAD exomes 0.00002.

Submissions (2):

PreventionGenetics, part of Exact Sciences
Classification: Likely benign for SMPD1-related condition. Last evaluated: 2026-04-29. Review status: criteria provided, single submitter. Criteria: ACMG Guidelines, 2015. Collection method: clinical testing. Allele origin: germline.
Comment: This variant is classified as likely benign based on ACMG/AMP sequence variant interpretation guidelines (Richards et al. 2015 PMID: 25741868, with internal and published modifications).

Labcorp Genetics (formerly Invitae), Labcorp
Classification: Likely benign for Niemann-Pick disease, type B; Niemann-Pick disease, type A. Last evaluated: 2023-04-20. Review status: criteria provided, single submitter. Criteria: Invitae Variant Classification Sherloc (09022015). Collection method: clinical testing. Allele origin: germline.

NM_000543.5(SMPD1):c.825G>A (p.Val275=)

Gene: SMPD1 (sphingomyelin phosphodiesterase 1; plus strand). Cytogenetic location: 11p15.4.
Variant type: single nucleotide variant.
Coding change: c.825G>A on transcript NM_000543.5 (MANE Select); coding-DNA position 825, G replaced by A.
Protein change: p.Val275=; no amino-acid change (valine 275 retained).
Molecular consequence: synonymous variant. On other transcripts: 5 prime UTR variant (1), non-coding transcript variant (1).
Genome position (GRCh38, 1-based): chr11:6,391,890, G>A. VCF-style: chr11-6391890-G-A. GRCh37 (hg19) VCF-style: chr11-6413120-G-A.
Other names: c.825G>A (NM_000543.4); c.822G>A, p.Val274= (NM_001007593.3); c.825G>A, p.Val275= (NM_001318087.2, NM_001365135.2); c.-137G>A (NM_001318088.2).
Identifiers: ClinVar variation 1123278 (VCV001123278.10), dbSNP rs1847934481, ClinGen allele CA472909699.